The following is an entry in ClinVar:

ClinVar aggregate classification (germline): Uncertain significance (1 of 4 stars; one submission).

Conditions:
Autosomal dominant osteopetrosis 1 (OPTA1). Also called: OSTEOPETROSIS, AUTOSOMAL DOMINANT, TYPE I. Identifiers: Orphanet 2783, MedGen C1843330, MONDO:0011877, OMIM 607634.
Exudative vitreoretinopathy 4 (EVR4). Identifiers: Orphanet 891, MedGen C1866176, MONDO:0011151, OMIM 601813.
Worth disease. Also called: OSTEOSCLEROSIS, AUTOSOMAL DOMINANT; ENDOSTEAL HYPEROSTOSIS, AUTOSOMAL DOMINANT; Autosomal dominant osteosclerosis, Worth type. Identifiers: Orphanet 2790, MedGen C0432273, MONDO:0007764, OMIM 144750.
Polycystic liver disease 4 with or without kidney cysts. Identifiers: MedGen C4693479, MONDO:0044327, OMIM 617875.
Osteoporosis with pseudoglioma (OPPG). Also called: osteoporosis-pseudoglioma syndrome. Identifiers: Orphanet 2788, MedGen C0432252, MONDO:0009820, OMIM 259770.
Bone mineral density quantitative trait locus 1 (BMND1). Identifiers: MedGen C1866079, OMIM 601884.

gnomAD v4.1: 4 of 1,614,054 alleles (0.00025%); highest among the groups gnomAD compares: East Asian, 0.0022%; no homozygotes.

Submission:

Juno Genomics, Hangzhou Juno Genomics, Inc
Classification: Uncertain significance for Worth disease; Bone mineral density quantitative trait locus 1; Exudative vitreoretinopathy 4; Autosomal dominant osteopetrosis 1; Osteoporosis with pseudoglioma; Polycystic liver disease 4 with or without kidney cysts. Review status: criteria provided, single submitter. Criteria: ACMG Guidelines, 2015. Collection method: clinical testing. Allele origin: germline.
Comment: Absent from controls (or at extremely low frequency if recessive) in Genome Aggregation Database.;Multiple lines of computational evidence support a deleterious effect on the gene or gene product.

NM_002335.4(LRP5):c.563T>A (p.Ile188Asn)

Gene: LRP5 (LDL receptor related protein 5; plus strand). Cytogenetic location: 11q13.2.
Variant type: single nucleotide variant.
Coding change: c.563T>A on transcript NM_002335.4 (MANE Select); coding-DNA position 563, T replaced by A.
Protein change: p.Ile188Asn; replaces isoleucine 188 with asparagine.
Molecular consequence: missense variant. On other transcripts: 5 prime UTR variant (1).
Genome position (GRCh38, 1-based): chr11:68,357,724, T>A. VCF-style: chr11-68357724-T-A. GRCh37 (hg19) VCF-style: chr11-68125192-T-A.
Other names: c.-1203T>A (NM_001291902.2); short protein forms I188N.
Identifiers: ClinVar variation 5004966 (VCV005004966.2).